The following is an entry in ClinVar:

ClinVar aggregate classification (germline): Benign/Likely benign. Review status: criteria provided, multiple submitters, no conflicts (2 of 4 stars). 3 submissions from 3 submitters: Benign (1); Likely benign (2). Last evaluated 2026-01-26.

Conditions:
Primary ciliary dyskinesia. Also called: Ciliary dyskinesia. Identifiers: Orphanet 244, MedGen C0008780, MONDO:0016575, HP:0012265.

Allele frequency attached by ClinVar (database versions not stated): gnomAD exomes 0.00020 and 0.00048; ExAC 0.00057; ESP Exome Variant Server 0.00169; gnomAD 0.00198 and 0.00223; 1000 Genomes Project 0.00200; 1000 Genomes Project 30x 0.00203; TOPMed 0.00218.
gnomAD v4.1: 606 of 1,613,950 alleles (0.038%); highest among the groups gnomAD compares: African/African-American, 0.64%; 4 homozygotes.

Submissions (3):

Labcorp Genetics (formerly Invitae), Labcorp
Classification: Benign for Primary ciliary dyskinesia. Last evaluated: 2026-01-26. Review status: criteria provided, single submitter. Criteria: Invitae Variant Classification Sherloc (09022015). Collection method: clinical testing. Allele origin: germline.

Blueprint Genetics
Classification: Likely benign. Last evaluated: 2024-09-06. Review status: criteria provided, single submitter. Criteria: ACMG Guidelines, 2015. Collection method: clinical testing. Allele origin: germline.

CeGaT Center for Human Genetics Tuebingen
Classification: Likely benign. Last evaluated: 2024-08-01. Review status: criteria provided, single submitter. Criteria: CeGaT Center For Human Genetics Tuebingen Variant Classification Criteria Version 2. Collection method: clinical testing. Allele origin: germline. Affected: yes. Observed: 1 variant allele.
Comment: DNAH8: BP4, BP7

NM_001206927.2(DNAH8):c.6966A>T (p.Pro2322=)

Gene: DNAH8 (dynein axonemal heavy chain 8; plus strand). Cytogenetic location: 6p21.2.
Variant type: single nucleotide variant.
Coding change: c.6966A>T on transcript NM_001206927.2 (MANE Select); coding-DNA position 6966, A replaced by T.
Protein change: p.Pro2322=; no amino-acid change (proline 2322 retained).
Molecular consequence: synonymous variant.
Genome position (GRCh38, 1-based): chr6:38,870,538, A>T. VCF-style: chr6-38870538-A-T. GRCh37 (hg19) VCF-style: chr6-38838314-A-T.
Other names: c.6315A>T, p.Pro2105= (NM_001371.4).
Identifiers: ClinVar variation 454588 (VCV000454588.28), dbSNP rs149125241, ClinGen allele CA3789795.